The following is an entry in ClinVar:

NM_001166108.2(PALLD):c.2809C>A (p.Leu937Met)

Genes: CBR4 (carbonyl reductase 4; minus strand), PALLD (palladin, cytoskeletal associated protein; plus strand). Cytogenetic location: 4q32.3.
Variant type: single nucleotide variant.
Coding change: c.2809C>A on transcript NM_001166108.2 (MANE Select); coding-DNA position 2809, C replaced by A.
Protein change: p.Leu937Met; replaces leucine 937 with methionine.
Molecular consequence: missense variant.
Genome position (GRCh38, 1-based): chr4:168,915,986, C>A. VCF-style: chr4-168915986-C-A. GRCh37 (hg19) VCF-style: chr4-169837137-C-A.
Other names: c.1612C>A, p.Leu538Met (NM_001166109.2); c.1297C>A, p.Leu433Met (NM_001166110.2); c.637C>A, p.Leu213Met (NM_001367567.1, NM_001367569.1); c.688C>A, p.Leu230Met (NM_001367568.1, NM_001367570.1); c.2758C>A, p.Leu920Met (NM_016081.4); short protein forms L920M, L230M, L538M, L213M, L433M, L937M.
Identifiers: ClinVar variation 3885295 (VCV003885295.1).

ClinVar aggregate classification (germline): Uncertain significance (1 of 4 stars; one submission).

Submission:

Ambry Genetics
Classification: Uncertain significance. Last evaluated: 2025-01-05. Review status: criteria provided, single submitter. Criteria: Ambry Variant Classification Scheme 2023. Collection method: clinical testing. Allele origin: germline.
Comment: The p.L433M variant (also known as c.1297C>A), located in coding exon 7 of the PALLD gene, results from a C to A substitution at nucleotide position 1297. The leucine at codon 433 is replaced by methionine, an amino acid with highly similar properties. This amino acid position is conserved. In addition, this alteration is predicted to be tolerated by in silico analysis. Based on the available evidence, the clinical significance of this variant remains unclear.